The following is an entry in ClinVar:

ClinVar aggregate classification (germline): Likely pathogenic (1 of 4 stars; one submission).

Submission:

GeneDx
Classification: Likely pathogenic. Last evaluated: 2023-07-19. Review status: criteria provided, single submitter. Criteria: GeneDx Variant Classification Process June 2021. Collection method: clinical testing. Allele origin: germline. Affected: yes.
Comment: Frameshift variant predicted to result in protein truncation or nonsense mediated decay in a gene for which loss of function is a known mechanism of disease; Not observed at significant frequency in large population cohorts (gnomAD); Has not been previously published as pathogenic or benign to our knowledge

NM_001009944.3(PKD1):c.4509_4518del (p.Asp1504fs)

Gene: PKD1 (polycystin 1, transient receptor potential channel interacting; minus strand). Cytogenetic location: 16p13.3.
Variant type: Deletion.
Coding change: c.4509_4518del on transcript NM_001009944.3 (MANE Select); coding-DNA positions 4509 to 4518, 10 bases deleted (GGACGGTGGG; older notation c.4509_4518delGGACGGTGGG).
Protein change: p.Asp1504fs; shifts the reading frame from aspartic acid 1504.
Molecular consequence: frameshift variant.
Genome position (GRCh38, 1-based): chr16:2,110,649-2,110,658, CCCACCGTCC deleted on the plus strand (GGACGGTGGG on the coding strand, the reverse complement: PKD1 is on the minus strand); deleting any 10 consecutive bases within chr16:2,110,649-2,110,662 gives the same sequence; the c. name uses the placement nearest the transcript's 3' end. VCF-style (leftmost placement, unchanged base first): chr16-2110648-ACCCACCGTCC-A. GRCh37 (hg19) VCF-style: chr16-2160649-ACCCACCGTCC-A.
Other names: c.4509_4518del, p.Asp1504fs (NM_000296.4); c.4505_4514delTGGGGGACGG, p.Asp1504Glyfs (NM_001009944.2); short protein forms D1504fs.
Identifiers: ClinVar variation 3361177 (VCV003361177.1).